The following is an entry in ClinVar:

NM_014339.7(IL17RA):c.1931G>C (p.Gly644Ala)

Gene: IL17RA (interleukin 17 receptor A; plus strand). Cytogenetic location: 22q11.1.
Variant type: single nucleotide variant.
Coding change: c.1931G>C on transcript NM_014339.7 (MANE Select); coding-DNA position 1931, G replaced by C.
Protein change: p.Gly644Ala; replaces glycine 644 with alanine.
Molecular consequence: missense variant.
Genome position (GRCh38, 1-based): chr22:17,109,150, G>C. VCF-style: chr22-17109150-G-C. GRCh37 (hg19) VCF-style: chr22-17590040-G-C.
Other names: c.1931G>C (NM_014339.5); c.1829G>C, p.Gly610Ala (NM_001289905.2); short protein forms G610A, G644A.
Identifiers: ClinVar variation 895138 (VCV000895138.6), dbSNP rs749845273, ClinGen allele CA10086881.
Genomic context (GRCh38, chr22:17,109,150, plus strand): 5'-TGCGCGAGCCTGGCTCCCAGGCCTGCCTGGCCATAGACCCGCTGGTCGGGGAGGAAGGAG[G>C]AGCAGCAGTGGCAAAGCTGGAACCTCACCTGCAGCCCCGGGGTCAGCCAGCGCCGCAGCC-3'
Protein context (NP_055154.3, residues 634-654): AIDPLVGEEG[Gly644Ala]AAVAKLEPHL

ClinVar aggregate classification (germline): Uncertain significance. Review status: criteria provided, multiple submitters, no conflicts (2 of 4 stars). 3 submissions from 3 submitters: Uncertain significance (3). Last evaluated 2025-05-05.

Conditions:
Immunodeficiency 51 (IMD51). Also called: CANDIDIASIS, FAMILIAL, 5. Identifiers: Orphanet 1334, MedGen C4310803, MONDO:0013500, OMIM 613953.

Allele frequency attached by ClinVar (database versions not stated): ExAC below 0.00001; gnomAD exomes 0.00002; gnomAD 0.00005 and 0.00006; TOPMed 0.00006.

Submissions (3):

Ambry Genetics
Classification: Uncertain significance. Last evaluated: 2025-05-05. Review status: criteria provided, single submitter. Criteria: Ambry Variant Classification Scheme 2023. Collection method: clinical testing. Allele origin: germline.

Labcorp Genetics (formerly Invitae), Labcorp
Classification: Uncertain significance for Immunodeficiency 51. Last evaluated: 2024-04-27. Review status: criteria provided, single submitter. Criteria: Invitae Variant Classification Sherloc (09022015). Collection method: clinical testing. Allele origin: germline.
Comment: This sequence change replaces glycine, which is neutral and non-polar, with alanine, which is neutral and non-polar, at codon 644 of the IL17RA protein (p.Gly644Ala). This variant is present in population databases (rs749845273, gnomAD 0.008%). This variant has not been reported in the literature in individuals affected with IL17RA-related conditions. ClinVar contains an entry for this variant (Variation ID: 895138). Advanced modeling of protein sequence and biophysical properties (such as structural, functional, and spatial information, amino acid conservation, physicochemical variation, residue mobility, and thermodynamic stability) performed at Invitae indicates that this missense variant is not expected to disrupt IL17RA protein function with a negative predictive value of 80%. In summary, the available evidence is currently insufficient to determine the role of this variant in disease. Therefore, it has been classified as a Variant of Uncertain Significance.

Illumina Laboratory Services, Illumina
Classification: Uncertain significance for Immunodeficiency 51. Last evaluated: 2018-01-13. Review status: criteria provided, single submitter. Criteria: ICSL Variant Classification Criteria 13 December 2019. Collection method: clinical testing. Allele origin: germline.